The following is an entry in ClinVar:

ClinVar aggregate classification (germline): Pathogenic. Review status: reviewed by expert panel (3 of 4 stars). 4 submissions from 4 submitters: Pathogenic (1). 3 of the submissions do not count toward it. Last evaluated 2016-09-08.

Conditions:
Hereditary cancer-predisposing syndrome. Also called: Neoplastic Syndromes, Hereditary; Hereditary Cancer Syndrome; Hereditary neoplastic syndrome; Tumor predisposition. Identifiers: Orphanet 140162, MedGen C0027672, MeSH D009386, MONDO:0015356.
Hereditary breast ovarian cancer syndrome. Also called: Hereditary breast and ovarian cancer syndrome; Hereditary breast and/or ovarian cancer syndrome; BRCA1- and BRCA2-Associated Hereditary Breast and Ovarian Cancer; Hereditary breast and ovarian cancer; Breast and ovarian cancer; Hereditary breast and ovarian cancer syndrome (HBOC). Identifiers: Orphanet 145, MedGen C0677776, MeSH D061325, MONDO:0003582. Disease mechanism: loss of function.
Breast-ovarian cancer, familial, susceptibility to, 2 (BROVCA2). Also called: BRCA2 Hereditary Breast and Ovarian Cancer. Identifiers: Orphanet 145, MedGen C2675520, MONDO:0012933, OMIM 612555. Disease mechanism: loss of function.

Submissions (4):

Evidence-based Network for the Interpretation of Germline Mutant Alleles (ENIGMA)
Classification: Pathogenic for Breast-ovarian cancer, familial, susceptibility to, 2. Last evaluated: 2016-09-08. Review status: reviewed by expert panel. Criteria: ENIGMA BRCA1/2 Classification Criteria (2015). Collection method: curation. Allele origin: germline.
Comment: Variant allele predicted to encode a truncated non-functional protein.

Ambry Genetics
Classification: Pathogenic for Hereditary cancer-predisposing syndrome. Last evaluated: 2025-11-12. Review status: criteria provided, single submitter. Criteria: Ambry Variant Classification Scheme 2023. Collection method: clinical testing. Allele origin: germline. Not counted in ClinVar's aggregate classification.
Comment: The c.429delT pathogenic mutation, located in coding exon 4 of the BRCA2 gene, results from a deletion of one nucleotide at nucleotide position 429, causing a translational frameshift with a predicted alternate stop codon (p.V144Lfs*8). This alteration is expected to result in loss of function by premature protein truncation or nonsense-mediated mRNA decay. As such, this alteration is interpreted as a disease-causing mutation.

Labcorp Genetics (formerly Invitae), Labcorp
Classification: Pathogenic for Hereditary breast ovarian cancer syndrome. Last evaluated: 2022-01-26. Review status: criteria provided, single submitter. Criteria: Invitae Variant Classification Sherloc (09022015). Collection method: clinical testing. Allele origin: germline. Not counted in ClinVar's aggregate classification.
Comment: For these reasons, this variant has been classified as Pathogenic. ClinVar contains an entry for this variant (Variation ID: 141697). This variant has not been reported in the literature in individuals affected with BRCA2-related conditions. This variant is not present in population databases (gnomAD no frequency). This sequence change creates a premature translational stop signal (p.Val144Leufs*8) in the BRCA2 gene. It is expected to result in an absent or disrupted protein product. Loss-of-function variants in BRCA2 are known to be pathogenic (PMID: 20104584).

Molecular Oncology, Hospital Universitario Central de Asturias (HUCA)
Classification: Pathogenic for Breast-ovarian cancer, familial, susceptibility to, 2. Last evaluated: 2021-05-24. Review status: no assertion criteria provided. Collection method: case-control. Allele origin: germline. Affected: yes. Not counted in ClinVar's aggregate classification.

Literature cited by the submitters: PubMed 20104584 (cited by Labcorp Genetics (formerly Invitae), Labcorp); PubMed 38922859 (cited by Molecular Oncology, Hospital Universitario Central de Asturias (HUCA)).

NM_000059.4(BRCA2):c.429del (p.Val144fs)

Gene: BRCA2 (BRCA2 DNA repair associated; plus strand). Cytogenetic location: 13q13.1.
Variant type: Deletion.
Coding change: c.429del on transcript NM_000059.4 (MANE Select); coding-DNA position 429, one base deleted (T; older notation c.429delT).
Protein change: p.Val144fs; shifts the reading frame from valine 144.
Molecular consequence: frameshift variant.
Genome position (GRCh38, 1-based): chr13:32,326,104, T deleted. VCF-style (leftmost placement, unchanged base first): chr13-32326103-CT-C. GRCh37 (hg19) VCF-style: chr13-32900240-CT-C.
Other names: c.429delT (NM_000059.3); c.429del (NM_000059.3); short protein forms V144fs.
Identifiers: ClinVar variation 141697 (VCV000141697.13), dbSNP rs587781945, ClinGen allele CA019934.